The following is an entry in ClinVar:

NM_001371623.1(TCOF1):c.326A>G (p.Asn109Ser)

Gene: TCOF1 (treacle ribosome biogenesis factor 1; plus strand). Cytogenetic location: 5q32.
Variant type: single nucleotide variant.
Coding change: c.326A>G on transcript NM_001371623.1 (MANE Select); coding-DNA position 326, A replaced by G.
Protein change: p.Asn109Ser; replaces asparagine 109 with serine.
Molecular consequence: missense variant.
Genome position (GRCh38, 1-based): chr5:150,367,865, A>G. VCF-style: chr5-150367865-A-G. GRCh37 (hg19) VCF-style: chr5-149747428-A-G.
Other names: c.326A>G, p.Asn109Ser (NM_000356.4, NM_001008657.3, NM_001135243.2 and 3 more transcripts); short protein forms N109S.
Identifiers: ClinVar variation 1218129 (VCV001218129.12), dbSNP rs142477153, ClinGen allele CA3510529.

ClinVar aggregate classification (germline): Conflicting classifications of pathogenicity. Review status: criteria provided, conflicting classifications (1 of 4 stars). 4 submissions from 4 submitters: Uncertain significance (2); Likely benign (2). Last evaluated 2026-09-30.

Conditions:
Treacher Collins syndrome 1 (TCS1). Also called: TCOF1-Related Treacher Collins Syndrome. Identifiers: Orphanet 861, MedGen CN315775, MONDO:0007944, OMIM 154500.

Allele frequency attached by ClinVar (database versions not stated): ExAC 0.00011; gnomAD exomes 0.00014; 1000 Genomes Project 30x 0.00016; gnomAD 0.00019 and 0.00021; 1000 Genomes Project 0.00020; ESP Exome Variant Server 0.00038.
gnomAD v4.1: 581 of 1,614,078 alleles (0.036%); highest among the groups gnomAD compares: Non-Finnish European, 0.044%; no homozygotes.

Submissions (4):

GeneDx
Classification: Uncertain significance. Last evaluated: 2026-09-30. Review status: criteria provided, single submitter. Criteria: GeneDx Variant Classification Process June 2021. Collection method: clinical testing. Allele origin: germline.
Comment: Observed in a patient with Alzheimer disease in an Alzheimer disease risk study (PMID: 28065470); In silico analysis supports that this missense variant has a deleterious effect on protein structure/function; This variant is associated with the following publications: (PMID: 28065470)

CeGaT Center for Human Genetics Tuebingen
Classification: Likely benign. Last evaluated: 2026-09-01. Review status: criteria provided, single submitter. Criteria: CeGaT Center For Human Genetics Tuebingen Variant Classification Criteria Version 2. Collection method: clinical testing. Allele origin: germline. Affected: yes. Observed: 1 variant allele.
Comment: TCOF1: BS2

Labcorp Genetics (formerly Invitae), Labcorp
Classification: Uncertain significance for Treacher Collins syndrome 1. Last evaluated: 2025-04-23. Review status: criteria provided, single submitter. Criteria: Invitae Variant Classification Sherloc (09022015). Collection method: clinical testing. Allele origin: germline.
Comment: This sequence change replaces asparagine, which is neutral and polar, with serine, which is neutral and polar, at codon 109 of the TCOF1 protein (p.Asn109Ser). This variant is present in population databases (rs142477153, gnomAD 0.03%). This variant has not been reported in the literature in individuals affected with TCOF1-related conditions. ClinVar contains an entry for this variant (Variation ID: 1218129). Invitae Evidence Modeling of protein sequence and biophysical properties (such as structural, functional, and spatial information, amino acid conservation, physicochemical variation, residue mobility, and thermodynamic stability) indicates that this missense variant is not expected to disrupt TCOF1 protein function with a negative predictive value of 80%. In summary, the available evidence is currently insufficient to determine the role of this variant in disease. Therefore, it has been classified as a Variant of Uncertain Significance.

Department of Pathology and Laboratory Medicine, Sinai Health System
Classification: Likely benign for Treacher Collins syndrome 1. Last evaluated: 2022-04-13. Review status: criteria provided, single submitter. Criteria: ACMG Guidelines, 2015. Collection method: research. Allele origin: germline.